The following is an entry in ClinVar:

NM_001376.5(DYNC1H1):c.5717-3C>T

Gene: DYNC1H1 (dynein cytoplasmic 1 heavy chain 1; plus strand). Cytogenetic location: 14q32.31.
Variant type: single nucleotide variant.
Coding change: c.5717-3C>T on transcript NM_001376.5 (MANE Select); 3 bases into the intron before coding-DNA position 5717, C replaced by T.
Molecular consequence: intron variant.
Genome position (GRCh38, 1-based): chr14:102,007,005, C>T. VCF-style: chr14-102007005-C-T. GRCh37 (hg19) VCF-style: chr14-102473342-C-T.
Identifiers: ClinVar variation 1937788 (VCV001937788.5), dbSNP rs2048204770, ClinGen allele CA2159603262.

ClinVar aggregate classification (germline): Uncertain significance (1 of 4 stars; one submission).

Conditions:
Charcot-Marie-Tooth disease axonal type 2O. Also called: CHARCOT-MARIE-TOOTH NEUROPATHY, AXONAL, TYPE 2O; CHARCOT-MARIE-TOOTH DISEASE, AXONAL, AUTOSOMAL DOMINANT, TYPE 2O; Charcot-Marie-Tooth Neuropathy Type 2O; Charcot-Marie-Tooth disease, axonal, type 20. Identifiers: Orphanet 284232, MedGen C3280220, MONDO:0013644, OMIM 614228.

Submission:

Labcorp Genetics (formerly Invitae), Labcorp
Classification: Uncertain significance for Charcot-Marie-Tooth disease axonal type 2O. Last evaluated: 2025-05-26. Review status: criteria provided, single submitter. Criteria: Invitae Variant Classification Sherloc (09022015). Collection method: clinical testing. Allele origin: germline.
Comment: This sequence change falls in intron 27 of the DYNC1H1 gene. It does not directly change the encoded amino acid sequence of the DYNC1H1 protein. It affects a nucleotide within the consensus splice site. This variant is not present in population databases (gnomAD no frequency). This variant has not been reported in the literature in individuals affected with DYNC1H1-related conditions. ClinVar contains an entry for this variant (Variation ID: 1937788). Variants that disrupt the consensus splice site are a relatively common cause of aberrant splicing (PMID: 17576681, 9536098). Algorithms developed to predict the effect of sequence changes on RNA splicing suggest that this variant is not likely to affect RNA splicing. In summary, the available evidence is currently insufficient to determine the role of this variant in disease. Therefore, it has been classified as a Variant of Uncertain Significance.

Literature cited by the submitters: PubMed 17576681; PubMed 9536098.